The following is an entry in ClinVar:

NM_004525.3(LRP2):c.3734C>T (p.Pro1245Leu)

Gene: LRP2 (LDL receptor related protein 2; minus strand). Cytogenetic location: 2q31.1.
Variant type: single nucleotide variant.
Coding change: c.3734C>T on transcript NM_004525.3 (MANE Select); coding-DNA position 3734, C replaced by T.
Protein change: p.Pro1245Leu; replaces proline 1245 with leucine.
Molecular consequence: missense variant.
Genome position (GRCh38, 1-based): chr2:169,241,299, G>A on the plus strand (C>T on the coding strand, the complement: LRP2 is on the minus strand). VCF-style: chr2-169241299-G-A. GRCh37 (hg19) VCF-style: chr2-170097809-G-A.
Other names: short protein forms P1245L.
Identifiers: ClinVar variation 332175 (VCV000332175.7), dbSNP rs748030992, ClinGen allele CA1954947.

ClinVar aggregate classification (germline): Uncertain significance. Review status: criteria provided, multiple submitters, no conflicts (2 of 4 stars). 3 submissions from 3 submitters: Uncertain significance (3). Last evaluated 2024-04-04.

Conditions:
Donnai-Barrow syndrome. Also called: DBS/FOAR SYNDROME; FACIOOCULOACOUSTICORENAL SYNDROME. Identifiers: Orphanet 2143, MedGen C1857277, MONDO:0009104, OMIM 222448.

Allele frequency attached by ClinVar (database versions not stated): ExAC 0.00001; TOPMed 0.00001.
gnomAD v4.1: 28 of 1,614,130 alleles (0.0017%); highest among the groups gnomAD compares: East Asian, 0.016%; no homozygotes.

Submissions (3):

Fulgent Genetics
Classification: Uncertain significance for Donnai-Barrow syndrome. Last evaluated: 2024-04-04. Review status: criteria provided, single submitter. Criteria: ACMG Guidelines, 2015. Collection method: clinical testing. Allele origin: germline.

Labcorp Genetics (formerly Invitae), Labcorp
Classification: Uncertain significance. Last evaluated: 2022-07-23. Review status: criteria provided, single submitter. Criteria: Invitae Variant Classification Sherloc (09022015). Collection method: clinical testing. Allele origin: germline.
Comment: This sequence change replaces proline, which is neutral and non-polar, with leucine, which is neutral and non-polar, at codon 1245 of the LRP2 protein (p.Pro1245Leu). This variant is present in population databases (rs748030992, gnomAD 0.007%). This variant has not been reported in the literature in individuals affected with LRP2-related conditions. ClinVar contains an entry for this variant (Variation ID: 332175). Advanced modeling of protein sequence and biophysical properties (such as structural, functional, and spatial information, amino acid conservation, physicochemical variation, residue mobility, and thermodynamic stability) performed at Invitae indicates that this missense variant is expected to disrupt LRP2 protein function. In summary, the available evidence is currently insufficient to determine the role of this variant in disease. Therefore, it has been classified as a Variant of Uncertain Significance.

Illumina Laboratory Services, Illumina
Classification: Uncertain significance for Donnai-Barrow syndrome. Last evaluated: 2018-01-13. Review status: criteria provided, single submitter. Criteria: ICSL Variant Classification Criteria 13 December 2019. Collection method: clinical testing. Allele origin: germline.